The following is an entry in ClinVar:

NM_203446.3(SYNJ1):c.1846C>A (p.Gln616Lys)

Gene: SYNJ1 (synaptojanin 1; minus strand). Cytogenetic location: 21q22.11.
Variant type: single nucleotide variant.
Coding change: c.1846C>A on transcript NM_203446.3 (MANE Select); coding-DNA position 1846, C replaced by A.
Protein change: p.Gln616Lys; replaces glutamine 616 with lysine.
Molecular consequence: missense variant.
Genome position (GRCh38, 1-based): chr21:32,666,539, G>T on the plus strand (C>A on the coding strand, the complement: SYNJ1 is on the minus strand). VCF-style: chr21-32666539-G-T. GRCh37 (hg19) VCF-style: chr21-34038849-G-T.
Other names: c.1846C>A, p.Gln616Lys (NM_001160302.2); c.1831C>A, p.Gln611Lys (NM_001160306.2); c.1963C>A, p.Gln655Lys (NM_003895.4); short protein forms Q616K, Q655K, Q611K.
Identifiers: ClinVar variation 952808 (VCV000952808.10), dbSNP rs2040940591, ClinGen allele CA410080981.

ClinVar aggregate classification (germline): Uncertain significance (1 of 4 stars; one submission).

Conditions:
Early-onset Parkinson disease 20. Also called: PARKINSON DISEASE 20, AUTOSOMAL RECESSIVE EARLY-ONSET. Identifiers: Orphanet 391411, MedGen C3809824, MONDO:0014233, OMIM 615530.
Developmental and epileptic encephalopathy, 53. Also called: Epileptic encephalopathy, early infantile, 53. Identifiers: MedGen C4479313, MONDO:0033362, OMIM 617389.

Submission:

Labcorp Genetics (formerly Invitae), Labcorp
Classification: Uncertain significance for Developmental and epileptic encephalopathy, 53; Early-onset Parkinson disease 20. Last evaluated: 2019-06-05. Review status: criteria provided, single submitter. Criteria: Invitae Variant Classification Sherloc (09022015). Collection method: clinical testing. Allele origin: germline.
Comment: In summary, the available evidence is currently insufficient to determine the role of this variant in disease. Therefore, it has been classified as a Variant of Uncertain Significance. Algorithms developed to predict the effect of missense changes on protein structure and function are either unavailable or do not agree on the potential impact of this missense change (SIFT: "Tolerated"; PolyPhen-2: "Probably Damaging"; Align-GVGD: "Class C0"). This variant has not been reported in the literature in individuals with SYNJ1-related conditions. This variant is not present in population databases (ExAC no frequency). This sequence change replaces glutamine with lysine at codon 655 of the SYNJ1 protein (p.Gln655Lys). The glutamine residue is moderately conserved and there is a small physicochemical difference between glutamine and lysine.